The following is an entry in ClinVar:

ClinVar aggregate classification (germline): Conflicting classifications of pathogenicity. Review status: criteria provided, conflicting classifications (1 of 4 stars). 2 submissions from 2 submitters: Uncertain significance (1); Likely benign (1). Last evaluated 2024-10-15.

Conditions:
DICER1-related tumor predisposition. Also called: DICER1 syndrome; DICER1-related pleuropulmonary blastoma cancer predisposition syndrome. Identifiers: Orphanet 284343, MedGen C3839822, MONDO:0100216.
Hereditary cancer-predisposing syndrome. Also called: Neoplastic Syndromes, Hereditary; Hereditary neoplastic syndrome; Tumor predisposition; Hereditary Cancer Syndrome. Identifiers: Orphanet 140162, MedGen C0027672, MeSH D009386, MONDO:0015356.

Allele frequency attached by ClinVar (database versions not stated): gnomAD 0.00001; TOPMed 0.00001.
gnomAD v4.1: 1 of 1,613,078 alleles (0.000062%); highest among the groups gnomAD compares: African/African-American, 0.0013%; no homozygotes.

Submissions (2):

Labcorp Genetics (formerly Invitae), Labcorp
Classification: Uncertain significance for DICER1-related tumor predisposition. Last evaluated: 2024-10-15. Review status: criteria provided, single submitter. Criteria: Invitae Variant Classification Sherloc (09022015). Collection method: clinical testing. Allele origin: germline.
Comment: This sequence change replaces alanine, which is neutral and non-polar, with serine, which is neutral and polar, at codon 308 of the DICER1 protein (p.Ala308Ser). This variant is present in population databases (no rsID available, gnomAD 0.01%). This variant has not been reported in the literature in individuals affected with DICER1-related conditions. ClinVar contains an entry for this variant (Variation ID: 846337). Invitae Evidence Modeling of protein sequence and biophysical properties (such as structural, functional, and spatial information, amino acid conservation, physicochemical variation, residue mobility, and thermodynamic stability) indicates that this missense variant is not expected to disrupt DICER1 protein function with a negative predictive value of 95%. In summary, the available evidence is currently insufficient to determine the role of this variant in disease. Therefore, it has been classified as a Variant of Uncertain Significance.

Ambry Genetics
Classification: Likely benign for Hereditary cancer-predisposing syndrome. Last evaluated: 2024-07-01. Review status: criteria provided, single submitter. Criteria: Ambry Variant Classification Scheme 2023. Collection method: clinical testing. Allele origin: germline.

NM_177438.3(DICER1):c.922G>T (p.Ala308Ser)

Gene: DICER1 (dicer 1, ribonuclease III; minus strand). Cytogenetic location: 14q32.13.
Variant type: single nucleotide variant.
Coding change: c.922G>T on transcript NM_177438.3 (MANE Select); coding-DNA position 922, G replaced by T.
Protein change: p.Ala308Ser; replaces alanine 308 with serine.
Molecular consequence: missense variant.
Genome position (GRCh38, 1-based): chr14:95,124,650, C>A on the plus strand (G>T on the coding strand, the complement: DICER1 is on the minus strand). VCF-style: chr14-95124650-C-A. GRCh37 (hg19) VCF-style: chr14-95590987-C-A.
Other names: c.922G>T, p.Ala308Ser (NM_001195573.1, NM_001271282.3, NM_001291628.2 and 1 more transcripts); short protein forms A308S.
Identifiers: ClinVar variation 846337 (VCV000846337.14), dbSNP rs1047347414, ClinGen allele CA265923549.